The following is an entry in ClinVar:

ClinVar aggregate classification (germline): Uncertain significance. Review status: criteria provided, multiple submitters, no conflicts (2 of 4 stars). 4 submissions from 4 submitters: Uncertain significance (4). Last evaluated 2024-03-06.

Conditions:
Inborn genetic diseases. Identifiers: MedGen C0950123, MeSH D030342.

Allele frequency attached by ClinVar (database versions not stated): TOPMed 0.00017; ExAC 0.00003; gnomAD exomes 0.00005; gnomAD 0.00006; ESP Exome Variant Server 0.00016.
gnomAD v4.1: 88 of 1,614,094 alleles (0.0055%); highest among the groups gnomAD compares: African/African-American, 0.033%; no homozygotes.

Submissions (4):

GeneDx
Classification: Uncertain significance. Last evaluated: 2024-03-06. Review status: criteria provided, single submitter. Criteria: GeneDx Variant Classification Process June 2021. Collection method: clinical testing. Allele origin: germline. Affected: yes.
Comment: In silico analysis supports that this missense variant does not alter protein structure/function; Has not been previously published as pathogenic or benign to our knowledge

Ambry Genetics
Classification: Uncertain significance for Inborn genetic diseases. Last evaluated: 2021-09-27. Review status: criteria provided, single submitter. Criteria: Ambry Variant Classification Scheme 2023. Collection method: clinical testing. Allele origin: germline.

Labcorp Genetics (formerly Invitae), Labcorp
Classification: Uncertain significance. Last evaluated: 2021-09-24. Review status: criteria provided, single submitter. Criteria: Invitae Variant Classification Sherloc (09022015). Collection method: clinical testing. Allele origin: germline.
Comment: This sequence change replaces glycine with arginine at codon 802 of the MCPH1 protein (p.Gly802Arg). The glycine residue is moderately conserved and there is a moderate physicochemical difference between glycine and arginine. This variant is present in population databases (rs370842740, ExAC 0.02%). This variant has not been reported in the literature in individuals with MCPH1-related conditions. ClinVar contains an entry for this variant (Variation ID: 594402). Algorithms developed to predict the effect of missense changes on protein structure and function output the following: SIFT: "Not Available"; PolyPhen-2: "Benign"; Align-GVGD: "Not Available". The arginine amino acid residue is found in multiple mammalian species, suggesting that this missense change does not adversely affect protein function. These predictions have not been confirmed by published functional studies and their clinical significance is uncertain. In summary, the available evidence is currently insufficient to determine the role of this variant in disease. Therefore, it has been classified as a Variant of Uncertain Significance.

Eurofins Ntd Llc (ga)
Classification: Uncertain significance. Last evaluated: 2017-10-24. Review status: criteria provided, single submitter. Criteria: EGL Classification Definitions 2015. Collection method: clinical testing. Allele origin: germline. Observed: 1 variant allele, 1 heterozygote.

NM_024596.5(MCPH1):c.2404G>A (p.Gly802Arg)

Genes: MCPH1 (microcephalin 1; plus strand), MCPH1-AS1 (MCPH1 antisense RNA 1; minus strand). Cytogenetic location: 8p23.1.
Variant type: single nucleotide variant.
Coding change: c.2404G>A on transcript NM_024596.5 (MANE Select); coding-DNA position 2404, G replaced by A.
Protein change: p.Gly802Arg; replaces glycine 802 with arginine.
Molecular consequence: missense variant.
Genome position (GRCh38, 1-based): chr8:6,621,643, G>A. VCF-style: chr8-6621643-G-A. GRCh37 (hg19) VCF-style: chr8-6479164-G-A.
Other names: c.2404G>A, p.Gly802Arg (NM_001322042.2, NM_001363979.1); c.2125G>A, p.Gly709Arg (NM_001363980.2); c.2404G>A (NM_024596.3); short protein forms G802R, G709R.
Identifiers: ClinVar variation 594402 (VCV000594402.11), dbSNP rs370842740, ClinGen allele CA4611525.
Genomic context (GRCh38, chr8:6,621,643, plus strand): 5'-TGCGGAGGCCGGGTCAGCCAAGTCCCCCGCCAGGCCAGCATCGTCATCGGGCCCTACAGC[G>A]GAAAGAAGAAAGCCACAGTCAAGTATCTGTCTGAGAAATGGGTCTTAGGTAAGAATCCAG-3'
Protein context (NP_078872.3, residues 792-812): QASIVIGPYS[Gly802Arg]KKKATVKYLS